The following is an entry in ClinVar:

ClinVar aggregate classification (germline): Uncertain significance (1 of 4 stars; one submission).

gnomAD v4.1: 2 of 1,614,136 alleles (0.00012%); highest among the groups gnomAD compares: South Asian, 0.0011%; no homozygotes.

Submission:

Labcorp Genetics (formerly Invitae), Labcorp
Classification: Uncertain significance. Last evaluated: 2024-09-01. Review status: criteria provided, single submitter. Criteria: Invitae Variant Classification Sherloc (09022015). Collection method: clinical testing. Allele origin: germline.
Comment: This sequence change replaces threonine, which is neutral and polar, with isoleucine, which is neutral and non-polar, at codon 343 of the GATAD2B protein (p.Thr343Ile). This variant is present in population databases (no rsID available, gnomAD 0.0009%). This variant has not been reported in the literature in individuals affected with GATAD2B-related conditions. Invitae Evidence Modeling of protein sequence and biophysical properties (such as structural, functional, and spatial information, amino acid conservation, physicochemical variation, residue mobility, and thermodynamic stability) indicates that this missense variant is not expected to disrupt GATAD2B protein function with a negative predictive value of 80%. In summary, the available evidence is currently insufficient to determine the role of this variant in disease. Therefore, it has been classified as a Variant of Uncertain Significance.

NM_020699.4(GATAD2B):c.1028C>T (p.Thr343Ile)

Gene: GATAD2B (GATA zinc finger domain containing 2B; minus strand). Cytogenetic location: 1q21.3.
Variant type: single nucleotide variant.
Coding change: c.1028C>T on transcript NM_020699.4 (MANE Select); coding-DNA position 1028, C replaced by T.
Protein change: p.Thr343Ile; replaces threonine 343 with isoleucine.
Molecular consequence: missense variant.
Genome position (GRCh38, 1-based): chr1:153,816,461, G>A on the plus strand (C>T on the coding strand, the complement: GATAD2B is on the minus strand). VCF-style: chr1-153816461-G-A. GRCh37 (hg19) VCF-style: chr1-153788937-G-A.
Other names: short protein forms T343I.
Identifiers: ClinVar variation 3692836 (VCV003692836.2).